The following is an entry in ClinVar:

ClinVar aggregate classification (germline): Likely benign. Review status: criteria provided, multiple submitters, no conflicts (2 of 4 stars). 2 submissions from 2 submitters: Likely benign (2). Last evaluated 2025-12-03.

Conditions:
Dextro-looped transposition of the great arteries. Also called: Dextrotransposition of the great arteries. Identifiers: Orphanet 860, MedGen C3531771, MONDO:0019443, OMIM 608808, HP:0031348.

Allele frequency attached by ClinVar (database versions not stated): ExAC 0.00003; gnomAD exomes 0.00003 and 0.00005; gnomAD 0.00004 and 0.00005; TOPMed 0.00004.
gnomAD v4.1: 45 of 1,613,242 alleles (0.0028%); highest among the groups gnomAD compares: Admixed American, 0.022%; no homozygotes.

Submissions (2):

Labcorp Genetics (formerly Invitae), Labcorp
Classification: Likely benign for Dextro-looped transposition of the great arteries. Last evaluated: 2025-12-03. Review status: criteria provided, single submitter. Criteria: Invitae Variant Classification Sherloc (09022015). Collection method: clinical testing. Allele origin: germline.

GeneDx
Classification: Likely benign. Last evaluated: 2020-12-22. Review status: criteria provided, single submitter. Criteria: GeneDx Variant Classification Process June 2021. Collection method: clinical testing. Allele origin: germline. Affected: yes.
Comment: Has not been previously published as pathogenic or benign to our knowledge; In-silico analysis, which includes splice predictors and evolutionary conservation, is inconclusive as to whether the variant alters gene splicing. In the absence of RNA/functional studies, the actual effect of this sequence change is unknown.

NM_015335.5(MED13L):c.3934+3A>G

Gene: MED13L (mediator complex subunit 13L; minus strand). Cytogenetic location: 12q24.21.
Variant type: single nucleotide variant.
Coding change: c.3934+3A>G on transcript NM_015335.5 (MANE Select); 3 bases into the intron after coding-DNA position 3934, A replaced by G.
Molecular consequence: intron variant.
Genome position (GRCh38, 1-based): chr12:115,991,017, T>C on the plus strand (A>G on the coding strand, the complement: MED13L is on the minus strand). VCF-style: chr12-115991017-T-C. GRCh37 (hg19) VCF-style: chr12-116428822-T-C.
Identifiers: ClinVar variation 650618 (VCV000650618.9), dbSNP rs747852225, ClinGen allele CA6810910.